The following is an entry in ClinVar:

NM_001626.6(AKT2):c.572A>G (p.Lys191Arg)

Gene: AKT2 (AKT serine/threonine kinase 2; minus strand). Cytogenetic location: 19q13.2.
Variant type: single nucleotide variant.
Coding change: c.572A>G on transcript NM_001626.6 (MANE Select); coding-DNA position 572, A replaced by G.
Protein change: p.Lys191Arg; replaces lysine 191 with arginine.
Molecular consequence: missense variant.
Genome position (GRCh38, 1-based): chr19:40,241,939, T>C on the plus strand (A>G on the coding strand, the complement: AKT2 is on the minus strand). VCF-style: chr19-40241939-T-C. GRCh37 (hg19) VCF-style: chr19-40747846-T-C.
Other names: c.386A>G, p.Lys129Arg (NM_001243027.3, NM_001243028.3); c.572A>G, p.Lys191Arg (NM_001330511.1); short protein forms K129R, K191R.
Identifiers: ClinVar variation 2082993 (VCV002082993.3), dbSNP rs759277032, ClinGen allele CA9441853.

ClinVar aggregate classification (germline): Uncertain significance (1 of 4 stars; one submission).

Conditions:
Type 2 diabetes mellitus. Also called: Type II diabetes mellitus. Identifiers: MedGen C0011860, MeSH D003924, MONDO:0005148, OMIM 125853, HP:0005978.
Hypoinsulinemic hypoglycemia and body hemihypertrophy. Also called: Hypoinsulinemic hypoglycemia and hemihypertrophy. Identifiers: Orphanet 293964, MedGen C3278384, MONDO:0009416, OMIM 240900.

Allele frequency attached by ClinVar (database versions not stated): TOPMed 0.00001; gnomAD 0.00002; ExAC 0.00003; gnomAD exomes 0.00008.
gnomAD v4.1: 126 of 1,613,798 alleles (0.0078%); highest among the groups gnomAD compares: Non-Finnish European, 0.01%; no homozygotes.

Submission:

Labcorp Genetics (formerly Invitae), Labcorp
Classification: Uncertain significance for Hypoinsulinemic hypoglycemia and body hemihypertrophy; Type 2 diabetes mellitus. Last evaluated: 2022-05-17. Review status: criteria provided, single submitter. Criteria: Invitae Variant Classification Sherloc (09022015). Collection method: clinical testing. Allele origin: germline.
Comment: In summary, the available evidence is currently insufficient to determine the role of this variant in disease. Therefore, it has been classified as a Variant of Uncertain Significance. Algorithms developed to predict the effect of sequence changes on RNA splicing suggest that this variant may disrupt the consensus splice site. Algorithms developed to predict the effect of missense changes on protein structure and function are either unavailable or do not agree on the potential impact of this missense change (SIFT: "Deleterious"; PolyPhen-2: "Benign"; Align-GVGD: "Class C25"). This variant has not been reported in the literature in individuals affected with AKT2-related conditions. This variant is present in population databases (rs759277032, gnomAD 0.005%). This sequence change replaces lysine, which is basic and polar, with arginine, which is basic and polar, at codon 191 of the AKT2 protein (p.Lys191Arg).